The following is an entry in ClinVar:

ClinVar aggregate classification (germline): Uncertain significance. Review status: criteria provided, multiple submitters, no conflicts (2 of 4 stars). 5 submissions from 5 submitters: Uncertain significance (3). 2 of the submissions do not count toward it. Last evaluated 2026-06-17.

Conditions:
Cardiovascular phenotype. Identifiers: MedGen CN230736.
MYPN-related disorder. Also called: MYPN-related condition.
Dilated cardiomyopathy 1KK (CMD1KK). Identifiers: Orphanet 154, Orphanet 75249, MedGen C3714995, MONDO:0014100, OMIM 615248.

Allele frequency attached by ClinVar (database versions not stated): gnomAD exomes below 0.00001 and 0.00001; gnomAD 0.00003; TOPMed 0.00005.
gnomAD v4.1: 15 of 1,614,010 alleles (0.00093%); highest among the groups gnomAD compares: African/African-American, 0.008%; no homozygotes.

Submissions (5):

PreventionGenetics, part of Exact Sciences
Classification: Uncertain significance for MYPN-related condition. Last evaluated: 2026-06-17. Review status: criteria provided, single submitter. Criteria: ACMG Guidelines, 2015. Collection method: clinical testing. Allele origin: germline.
Comment: The MYPN c.1564G>A variant is predicted to result in the amino acid substitution p.Gly522Ser. To our knowledge, this variant has not been reported in the literature. This variant is reported in 0.0080% of alleles in individuals of African descent in gnomAD. At this time, the clinical significance of this variant is uncertain due to the absence of conclusive functional and genetic evidence.

Ambry Genetics
Classification: Uncertain significance for Cardiovascular phenotype. Last evaluated: 2024-07-31. Review status: criteria provided, single submitter. Criteria: Ambry Variant Classification Scheme 2023. Collection method: clinical testing. Allele origin: germline.
Comment: The p.G522S variant (also known as c.1564G>A), located in coding exon 8 of the MYPN gene, results from a G to A substitution at nucleotide position 1564. The glycine at codon 522 is replaced by serine, an amino acid with similar properties. This amino acid position is highly conserved in available vertebrate species. In addition, this alteration is predicted to be deleterious by in silico analysis. Based on the available evidence, the clinical significance of this variant remains unclear.

Labcorp Genetics (formerly Invitae), Labcorp
Classification: Uncertain significance for Dilated cardiomyopathy 1KK. Last evaluated: 2022-07-26. Review status: criteria provided, single submitter. Criteria: Invitae Variant Classification Sherloc (09022015). Collection method: clinical testing. Allele origin: germline.
Comment: This sequence change replaces glycine, which is neutral and non-polar, with serine, which is neutral and polar, at codon 522 of the MYPN protein (p.Gly522Ser). This variant is present in population databases (no rsID available, gnomAD 0.008%). This variant has not been reported in the literature in individuals affected with MYPN-related conditions. ClinVar contains an entry for this variant (Variation ID: 945827). Algorithms developed to predict the effect of missense changes on protein structure and function are either unavailable or do not agree on the potential impact of this missense change (SIFT: "Deleterious"; PolyPhen-2: "Probably Damaging"; Align-GVGD: "Class C0"). In summary, the available evidence is currently insufficient to determine the role of this variant in disease. Therefore, it has been classified as a Variant of Uncertain Significance.

Clinical Genetics DNA and cytogenetics Diagnostics Lab, Erasmus MC, Erasmus Medical Center
Classification: Uncertain significance. Review status: no assertion criteria provided. Collection method: clinical testing. Allele origin: germline. Affected: yes. Study: VKGL Data-share Consensus. Not counted in ClinVar's aggregate classification.

Clinical Genetics, Academic Medical Center
Classification: Uncertain significance. Review status: no assertion criteria provided. Collection method: clinical testing. Allele origin: germline. Affected: yes. Study: VKGL Data-share Consensus. Not counted in ClinVar's aggregate classification.

NM_032578.4(MYPN):c.1564G>A (p.Gly522Ser)

Gene: MYPN (myopalladin; plus strand). Cytogenetic location: 10q21.3.
Variant type: single nucleotide variant.
Coding change: c.1564G>A on transcript NM_032578.4 (MANE Select); coding-DNA position 1564, G replaced by A.
Protein change: p.Gly522Ser; replaces glycine 522 with serine.
Molecular consequence: missense variant. On other transcripts: non-coding transcript variant (2).
Genome position (GRCh38, 1-based): chr10:68,165,782, G>A. VCF-style: chr10-68165782-G-A. GRCh37 (hg19) VCF-style: chr10-69925539-G-A.
Other names: c.1564G>A, p.Gly522Ser (NM_001256267.2); c.682G>A, p.Gly228Ser (NM_001256268.2); short protein forms G228S, G522S.
Identifiers: ClinVar variation 945827 (VCV000945827.11), dbSNP rs951303629, ClinGen allele CA208192029.